The following is an entry in ClinVar:

ClinVar aggregate classification (germline): Likely benign. Review status: criteria provided, multiple submitters, no conflicts (2 of 4 stars). 5 submissions from 5 submitters: Likely benign (3). 2 of the submissions do not count toward it. Last evaluated 2025-06-16.

Conditions:
Spastic paraplegia. Identifiers: MedGen C0037772, HP:0001258.
SACS-related disorder. Also called: SACS-related condition.
Charlevoix-Saguenay spastic ataxia (SACS). Also called: SPASTIC ATAXIA 6, AUTOSOMAL RECESSIVE; Spastic ataxia of Charlevoix-Saguenay; AUTOSOMAL RECESSIVE SPASTIC ATAXIA OF CHARLEVOIX-SAGUENAY. Identifiers: Orphanet 98, MedGen C1849140, MONDO:0010041, OMIM 270550.

Allele frequency attached by ClinVar (database versions not stated): gnomAD exomes 0.00015; ExAC 0.00017; gnomAD 0.00029; 1000 Genomes Project 30x 0.00031; TOPMed 0.00035; 1000 Genomes Project 0.00040.
gnomAD v4.1: 267 of 1,614,048 alleles (0.017%); highest among the groups gnomAD compares: Admixed American, 0.033%; no homozygotes.

Submissions (5):

Labcorp Genetics (formerly Invitae), Labcorp
Classification: Likely benign for Spastic paraplegia. Last evaluated: 2025-06-16. Review status: criteria provided, single submitter. Criteria: Invitae Variant Classification Sherloc (09022015). Collection method: clinical testing. Allele origin: germline.

Athena Diagnostics
Classification: Likely benign. Last evaluated: 2019-10-10. Review status: criteria provided, single submitter. Criteria: Athena Diagnostics Criteria. Collection method: clinical testing. Allele origin: unknown.

GeneDx
Classification: Likely benign. Last evaluated: 2018-04-06. Review status: criteria provided, single submitter. Criteria: GeneDx Variant Classification (06012015). Collection method: clinical testing. Allele origin: germline. Affected: yes.
Comment: This variant is considered likely benign or benign based on one or more of the following criteria: it is a conservative change, it occurs at a poorly conserved position in the protein, it is predicted to be benign by multiple in silico algorithms, and/or has population frequency not consistent with disease.

PreventionGenetics, part of Exact Sciences
Classification: Likely benign for SACS-related condition. Last evaluated: 2023-12-21. Review status: no assertion criteria provided. Collection method: clinical testing. Allele origin: germline. Not counted in ClinVar's aggregate classification.
Comment: This variant is classified as likely benign based on ACMG/AMP sequence variant interpretation guidelines (Richards et al. 2015 PMID: 25741868, with internal and published modifications).

Natera, Inc.
Classification: Likely benign for Charlevoix-Saguenay type spastic ataxia. Last evaluated: 2020-05-02. Review status: no assertion criteria provided. Collection method: clinical testing. Allele origin: germline. Not counted in ClinVar's aggregate classification.

NM_014363.6(SACS):c.2929C>T (p.Leu977=)

Gene: SACS (sacsin molecular chaperone; minus strand). Cytogenetic location: 13q12.12.
Variant type: single nucleotide variant.
Coding change: c.2929C>T on transcript NM_014363.6 (MANE Select); coding-DNA position 2929, C replaced by T.
Protein change: p.Leu977=; no amino-acid change (leucine 977 retained).
Molecular consequence: synonymous variant.
Genome position (GRCh38, 1-based): chr13:23,340,947, G>A on the plus strand (C>T on the coding strand, the complement: SACS is on the minus strand). VCF-style: chr13-23340947-G-A. GRCh37 (hg19) VCF-style: chr13-23915086-G-A.
Other names: c.2488C>T, p.Leu830= (NM_001278055.2).
Identifiers: ClinVar variation 680444 (VCV000680444.16), dbSNP rs146296924, ClinGen allele CA6911588.